The following is an entry in ClinVar:

NM_004366.6(CLCN2):c.1599T>A (p.Pro533=)

Gene: CLCN2 (chloride voltage-gated channel 2; minus strand). Cytogenetic location: 3q27.1.
Variant type: single nucleotide variant.
Coding change: c.1599T>A on transcript NM_004366.6 (MANE Select); coding-DNA position 1599, T replaced by A.
Protein change: p.Pro533=; no amino-acid change (proline 533 retained).
Molecular consequence: synonymous variant.
Genome position (GRCh38, 1-based): chr3:184,354,223, A>T on the plus strand (T>A on the coding strand, the complement: CLCN2 is on the minus strand). VCF-style: chr3-184354223-A-T. GRCh37 (hg19) VCF-style: chr3-184072011-A-T.
Other names: p.Pro533=; c.1548T>A, p.Pro516= (NM_001171087.3); c.1467T>A, p.Pro489= (NM_001171088.3); c.1599T>A, p.Pro533= (NM_001171089.3).
Identifiers: ClinVar variation 4684751 (VCV004684751.1).
Genomic context (GRCh38, chr3:184,354,223, plus strand): 5'-ATAGAGGGAGGGCTGCAGACTCTGGGCGACAGCGTTGGCCAGGATGACGGCGATCATGAC[A>T]GGCAGGATGTGGGCAATCTGGCCTGTGAGCTCGAACACGATCACAGCCGTGGACACTGTG-3'
Protein context (NP_004357.3, residues 523-543): ELTGQIAHIL[Pro533=]VMIAVILANA

ClinVar aggregate classification (germline): Likely benign (1 of 4 stars; one submission).

gnomAD v4.1: 1 of 1,613,384 alleles (0.000062%); highest among the groups gnomAD compares: South Asian, 0.0011%; no homozygotes.

Submission:

Mayo Clinic Laboratories, Mayo Clinic
Classification: Likely benign. Last evaluated: 2025-04-08. Review status: criteria provided, single submitter. Criteria: ACMG Guidelines, 2015. Collection method: clinical testing. Allele origin: germline. Observed: 1 variant allele.
Comment: BP4, BP7